The following is an entry in ClinVar:

ClinVar aggregate classification (germline): Uncertain significance. Review status: criteria provided, multiple submitters, no conflicts (2 of 4 stars). 5 submissions from 5 submitters: Uncertain significance (5). Last evaluated 2025-10-02.

Conditions:
Wilson disease (WND). Also called: Wilson's disease. Identifiers: Orphanet 905, MedGen C0019202, MONDO:0010200, OMIM 277900. Disease mechanism: loss of function.

Allele frequency attached by ClinVar (database versions not stated): TOPMed below 0.00001; gnomAD 0.00001; gnomAD exomes 0.00001.

Submissions (5):

Labcorp Genetics (formerly Invitae), Labcorp
Classification: Uncertain significance for Wilson disease. Last evaluated: 2025-10-02. Review status: criteria provided, single submitter. Criteria: Invitae Variant Classification Sherloc (09022015). Collection method: clinical testing. Allele origin: germline.
Comment: This sequence change replaces histidine, which is basic and polar, with arginine, which is basic and polar, at codon 1389 of the ATP7B protein (p.His1389Arg). This variant is present in population databases (no rsID available, gnomAD 0.01%). This variant has not been reported in the literature in individuals affected with ATP7B-related conditions. ClinVar contains an entry for this variant (Variation ID: 881312). Invitae Evidence Modeling of protein sequence and biophysical properties (such as structural, functional, and spatial information, amino acid conservation, physicochemical variation, residue mobility, and thermodynamic stability) indicates that this missense variant is not expected to disrupt ATP7B protein function with a negative predictive value of 80%. In summary, the available evidence is currently insufficient to determine the role of this variant in disease. Therefore, it has been classified as a Variant of Uncertain Significance.

All of Us Research Program, National Institutes of Health
Classification: Uncertain significance for Wilson disease. Last evaluated: 2024-08-13. Review status: criteria provided, single submitter. Criteria: ACMG Guidelines, 2015. Collection method: clinical testing. Allele origin: germline. Inheritance: Autosomal recessive inheritance. Observed: 4 variant alleles, 4 heterozygotes.
Comment: This missense variant replaces histidine with arginine at codon 1389 of the ATP7B protein. Computational prediction suggests that this variant may not impact protein structure and function (internally defined REVEL score threshold <= 0.5, PMID: 27666373). To our knowledge, functional studies have not been reported for this variant. This variant has not been reported in individuals affected with Wilson disease in the literature. This variant has been identified in 2/31368 chromosomes in the general population by the Genome Aggregation Database (gnomAD). The available evidence is insufficient to determine the role of this variant in disease conclusively. Therefore, this variant is classified as a Variant of Uncertain Significance.

This study involves interpretation of variants in research participants for the purpose of population health screening. Participant phenotype was not available at the time of variant classification. Additional details can be found in publication PMID: 35346344, PMCID: PMC8962531

Color Diagnostics, LLC DBA Color Health
Classification: Uncertain significance for Wilson disease. Last evaluated: 2024-03-06. Review status: criteria provided, single submitter. Criteria: ACMG Guidelines, 2015. Collection method: clinical testing. Allele origin: germline.
Comment: This missense variant replaces histidine with arginine at codon 1389 of the ATP7B protein. Computational prediction suggests that this variant may not impact protein structure and function. To our knowledge, functional studies have not been reported for this variant. This variant has not been reported in individuals affected with Wilson disease in the literature. This variant has been identified in 2/31368 chromosomes in the general population by the Genome Aggregation Database (gnomAD). The available evidence is insufficient to determine the role of this variant in disease conclusively. Therefore, this variant is classified as a Variant of Uncertain Significance.

Mayo Clinic Laboratories, Mayo Clinic
Classification: Uncertain significance. Last evaluated: 2024-01-15. Review status: criteria provided, single submitter. Criteria: ACMG Guidelines, 2015. Collection method: clinical testing. Allele origin: germline. Observed: 1 variant allele.
Comment: BP4

Illumina Laboratory Services, Illumina
Classification: Uncertain significance for Wilson disease. Last evaluated: 2018-01-13. Review status: criteria provided, single submitter. Criteria: ICSL Variant Classification Criteria 13 December 2019. Collection method: clinical testing. Allele origin: germline.

NM_000053.4(ATP7B):c.4166A>G (p.His1389Arg)

Gene: ATP7B (ATPase copper transporting beta; minus strand). Cytogenetic location: 13q14.3.
Variant type: single nucleotide variant.
Coding change: c.4166A>G on transcript NM_000053.4 (MANE Select); coding-DNA position 4166, A replaced by G.
Protein change: p.His1389Arg; replaces histidine 1389 with arginine.
Molecular consequence: missense variant.
Genome position (GRCh38, 1-based): chr13:51,934,988, T>C on the plus strand (A>G on the coding strand, the complement: ATP7B is on the minus strand). VCF-style: chr13-51934988-T-C. GRCh37 (hg19) VCF-style: chr13-52509124-T-C.
Other names: p.His1389Arg; c.3545A>G, p.His1182Arg (NM_001005918.3); c.3833A>G, p.His1278Arg (NM_001243182.2); c.3932A>G, p.His1311Arg (NM_001330578.2); c.3914A>G, p.His1305Arg (NM_001330579.2); short protein forms H1182R, H1311R, H1278R, H1305R, H1389R.
Identifiers: ClinVar variation 881312 (VCV000881312.9), dbSNP rs1170033995, ClinGen allele CA388019703.